The following is an entry in ClinVar:

NM_002485.5(NBN):c.976C>G (p.Gln326Glu)

Gene: NBN (nibrin; minus strand). Cytogenetic location: 8q21.3.
Variant type: single nucleotide variant.
Coding change: c.976C>G on transcript NM_002485.5 (MANE Select); coding-DNA position 976, C replaced by G.
Protein change: p.Gln326Glu; replaces glutamine 326 with glutamic acid.
Molecular consequence: missense variant.
Genome position (GRCh38, 1-based): chr8:89,964,428, G>C on the plus strand (C>G on the coding strand, the complement: NBN is on the minus strand). VCF-style: chr8-89964428-G-C. GRCh37 (hg19) VCF-style: chr8-90976656-G-C.
Other names: c.730C>G, p.Gln244Glu (NM_001024688.3); short protein forms Q326E, Q244E.
Identifiers: ClinVar variation 568013 (VCV000568013.23), dbSNP rs121908973, ClinGen allele CA371656881.
Genomic context (GRCh38, chr8:89,964,428, plus strand): 5'-AATAAAGTTGCTAACGAATCAATAAAATAATGCTTCAATTACCTGTACTGGGATGGCCCT[G>C]AGGATCACAGTAATTCTTTGTAGTCATGAAAATCACCGCCAATCCAATTTCTGCTTCAGG-3'
Protein context (NP_002476.2, residues 316-336): FMTTKNYCDP[Gln326Glu]GHPSTGLKTT

ClinVar aggregate classification (germline): Uncertain significance. Review status: criteria provided, multiple submitters, no conflicts (2 of 4 stars). 6 submissions from 6 submitters: Uncertain significance (6). Last evaluated 2024-02-25.

Conditions:
Microcephaly, normal intelligence and immunodeficiency (NBS). Also called: Nijmegen breakage syndrome; Immunodeficiency, microcephaly with normal intelligence; SEEMANOVA SYNDROME II; Microcephaly with normal intelligence immunodeficiency and lymphoreticular malignancies; Nonsyndromal microcephaly autosomal recessive with normal intelligence; Seemanova syndrome 2. Identifiers: Orphanet 647, MedGen C0398791, MONDO:0009623, OMIM 251260.
Acute lymphoid leukemia (ALL). Also called: Acute lymphoblastic leukemia; Acute lymphocytic leukemia; Leukemia, acute lymphoblastic, somatic; Lymphoblastic leukemia. Identifiers: Orphanet 513, MedGen C0023449, MONDO:0004967, OMIM 613065, HP:0006721.
Aplastic anemia. Identifiers: Orphanet 182040, Orphanet 88, MedGen C0002874, MONDO:0015909, OMIM 609135, HP:0001915.
Hereditary cancer-predisposing syndrome. Also called: Neoplastic Syndromes, Hereditary; Tumor predisposition; Hereditary Cancer Syndrome; Hereditary neoplastic syndrome. Identifiers: Orphanet 140162, MedGen C0027672, MeSH D009386, MONDO:0015356.

Submissions (6):

Ambry Genetics
Classification: Uncertain significance for Hereditary cancer-predisposing syndrome. Last evaluated: 2024-02-25. Review status: criteria provided, single submitter. Criteria: Ambry Variant Classification Scheme 2023. Collection method: clinical testing. Allele origin: germline.
Comment: The p.Q326E variant (also known as c.976C>G), located in coding exon 8 of the NBN gene, results from a C to G substitution at nucleotide position 976. The glutamine at codon 326 is replaced by glutamic acid, an amino acid with highly similar properties. This amino acid position is poorly conserved in available vertebrate species. In addition, this alteration is predicted to be tolerated by in silico analysis. Since supporting evidence is limited at this time, the clinical significance of this alteration remains unclear.

Women's Health and Genetics/Laboratory Corporation of America, LabCorp
Classification: Uncertain significance. Last evaluated: 2023-12-01. Review status: criteria provided, single submitter. Criteria: LabCorp Variant Classification Summary - May 2015. Collection method: clinical testing. Allele origin: germline.
Comment: Variant summary: NBN c.976C>G (p.Gln326Glu) results in a conservative amino acid change in the encoded protein sequence. Five of five in-silico tools predict a benign effect of the variant on protein function. The variant was absent in 251248 control chromosomes. The available data on variant occurrences in the general population are insufficient to allow any conclusion about variant significance. To our knowledge, no occurrence of c.976C>G in individuals affected with Nijmegen Breakage Syndrome and no experimental evidence demonstrating its impact on protein function have been reported. Five submitters have cited clinical-significance assessments for this variant to ClinVar after 2014. All submitters classified the variant as uncertain significance. Based on the evidence outlined above, the variant was classified as uncertain significance.

Labcorp Genetics (formerly Invitae), Labcorp
Classification: Uncertain significance for Microcephaly, normal intelligence and immunodeficiency. Last evaluated: 2023-03-14. Review status: criteria provided, single submitter. Criteria: Invitae Variant Classification Sherloc (09022015). Collection method: clinical testing. Allele origin: germline.
Comment: An algorithm developed to predict the effect of missense changes on protein structure and function (PolyPhen-2) suggests that this variant is likely to be tolerated. In summary, the available evidence is currently insufficient to determine the role of this variant in disease. Therefore, it has been classified as a Variant of Uncertain Significance. ClinVar contains an entry for this variant (Variation ID: 568013). This variant has not been reported in the literature in individuals affected with NBN-related conditions. This variant is not present in population databases (gnomAD no frequency). This sequence change replaces glutamine, which is neutral and polar, with glutamic acid, which is acidic and polar, at codon 326 of the NBN protein (p.Gln326Glu).

GeneDx
Classification: Uncertain significance. Last evaluated: 2022-08-25. Review status: criteria provided, single submitter. Criteria: GeneDx Variant Classification Process June 2021. Collection method: clinical testing. Allele origin: germline. Affected: yes.
Comment: Not observed at significant frequency in large population cohorts (gnomAD); In silico analysis supports that this missense variant does not alter protein structure/function; Has not been previously published as pathogenic or benign to our knowledge; This variant is associated with the following publications: (PMID: 24894818)

Fulgent Genetics
Classification: Uncertain significance for Microcephaly, normal intelligence and immunodeficiency; Aplastic anemia; Acute lymphoid leukemia. Last evaluated: 2022-05-23. Review status: criteria provided, single submitter. Criteria: ACMG Guidelines, 2015. Collection method: clinical testing. Allele origin: unknown.

Genome-Nilou Lab
Classification: Uncertain significance for Microcephaly, normal intelligence and immunodeficiency. Last evaluated: 2021-11-07. Review status: criteria provided, single submitter. Criteria: ACMG Guidelines, 2015. Collection method: clinical testing. Allele origin: germline. Affected: no.